The following is an entry in ClinVar:

ClinVar aggregate classification (germline): Uncertain significance. Review status: criteria provided, multiple submitters, no conflicts (2 of 4 stars). 2 submissions from 2 submitters: Uncertain significance (2). Last evaluated 2026-08-24.

Conditions:
AFF4-related disorder. Also called: AFF4-related condition.
Inborn genetic diseases. Identifiers: MedGen C0950123, MeSH D030342.

gnomAD v4.1: 14 of 1,614,210 alleles (0.00087%); highest among the groups gnomAD compares: Admixed American, 0.0017%; no homozygotes.

Submissions (2):

PreventionGenetics, part of Exact Sciences
Classification: Uncertain significance for AFF4-related condition. Last evaluated: 2026-08-24. Review status: criteria provided, single submitter. Criteria: ACMG Guidelines, 2015. Collection method: clinical testing. Allele origin: germline.
Comment: The AFF4 c.796A>G variant is predicted to result in the amino acid substitution p.Met266Val. To our knowledge, this variant has not been reported in the literature. This variant is reported in 0.00088% of alleles in individuals of European (Non-Finnish) descent in gnomAD. At this time, the clinical significance of this variant is uncertain due to the absence of conclusive functional and genetic evidence.

Ambry Genetics
Classification: Uncertain significance for Inborn genetic diseases. Last evaluated: 2025-05-13. Review status: criteria provided, single submitter. Criteria: Ambry Variant Classification Scheme 2023. Collection method: clinical testing. Allele origin: germline.

NM_014423.4(AFF4):c.796A>G (p.Met266Val)

Gene: AFF4 (ALF transcription elongation factor 4; minus strand). Cytogenetic location: 5q31.1.
Variant type: single nucleotide variant.
Coding change: c.796A>G on transcript NM_014423.4 (MANE Select); coding-DNA position 796, A replaced by G.
Protein change: p.Met266Val; replaces methionine 266 with valine.
Molecular consequence: missense variant.
Genome position (GRCh38, 1-based): chr5:132,934,269, T>C on the plus strand (A>G on the coding strand, the complement: AFF4 is on the minus strand). VCF-style: chr5-132934269-T-C. GRCh37 (hg19) VCF-style: chr5-132269961-T-C.
Other names: short protein forms M266V.
Identifiers: ClinVar variation 4021914 (VCV004021914.2).